The following is an entry in ClinVar:

NM_030957.4(ADAMTS10):c.350C>T (p.Ala117Val)

Gene: ADAMTS10 (ADAM metallopeptidase with thrombospondin type 1 motif 10; minus strand). Cytogenetic location: 19p13.2.
Variant type: single nucleotide variant.
Coding change: c.350C>T on transcript NM_030957.4 (MANE Select); coding-DNA position 350, C replaced by T.
Protein change: p.Ala117Val; replaces alanine 117 with valine.
Molecular consequence: missense variant.
Genome position (GRCh38, 1-based): chr19:8,605,097, G>A on the plus strand (C>T on the coding strand, the complement: ADAMTS10 is on the minus strand). VCF-style: chr19-8605097-G-A. GRCh37 (hg19) VCF-style: chr19-8669982-G-A.
Other names: short protein forms A117V.
Identifiers: ClinVar variation 625879 (VCV000625879.13), dbSNP rs141952128, ClinGen allele CA9160873.

ClinVar aggregate classification (germline): Conflicting classifications of pathogenicity. Review status: criteria provided, conflicting classifications (1 of 4 stars). 3 submissions from 3 submitters: Uncertain significance (1); Likely benign (1). 1 of the submissions does not count toward it. Last evaluated 2026-01-14.

Conditions:
ADAMTS10-related disorder. Also called: ADAMTS10-related condition.
Weill-Marchesani syndrome 1 (WMS1). Also called: ADAMTS10-Related Weill-Marchesani Syndrome; Weill-Marchesani Syndrome, Autosomal Recessive; Weill-Marchesani syndrome 1, recessive. Identifiers: Orphanet 3449, MedGen C4552002, MONDO:0010194, OMIM 277600.

Allele frequency attached by ClinVar (database versions not stated): gnomAD exomes 0.00014 and 0.00031; ExAC 0.00040; gnomAD 0.00090 and 0.00096; TOPMed 0.00107; ESP Exome Variant Server 0.00115; 1000 Genomes Project 30x 0.00203; 1000 Genomes Project 0.00240.
gnomAD v4.1: 365 of 1,612,784 alleles (0.023%); highest among the groups gnomAD compares: African/African-American, 0.33%; 1 homozygote.

Submissions (3):

Labcorp Genetics (formerly Invitae), Labcorp
Classification: Likely benign. Last evaluated: 2026-01-14. Review status: criteria provided, single submitter. Criteria: Invitae Variant Classification Sherloc (09022015). Collection method: clinical testing. Allele origin: germline.

Center for Genomics, Ann and Robert H. Lurie Children's Hospital of Chicago
Classification: Uncertain significance for Weill-Marchesani syndrome 1. Last evaluated: 2021-03-30. Review status: criteria provided, single submitter. Criteria: ACMG Guidelines, 2015. Collection method: clinical testing. Allele origin: germline.
Comment: ADAMTS10 NM_030957 exon 4 p.Ala117Val (c.350C>T): This variant has not been reported in the literature. This variant is present in 0.2% (70/23392) of African alleles in the Genome Aggregation Database. This variant amino acid Valine (Val) is present in one species (hedgehog) and is not well conserved among evolutionarily distant species; this suggests that this variant may not impact the protein. Additional computational prediction tools do not suggest an impact. In summary, data on this variant is insufficient for disease classification. Therefore, the clinical significance of this variant is uncertain.

PreventionGenetics, part of Exact Sciences
Classification: Likely benign for ADAMTS10-related condition. Last evaluated: 2023-04-17. Review status: no assertion criteria provided. Collection method: clinical testing. Allele origin: germline. Not counted in ClinVar's aggregate classification.
Comment: This variant is classified as likely benign based on ACMG/AMP sequence variant interpretation guidelines (Richards et al. 2015 PMID: 25741868, with internal and published modifications).